The following is an entry in ClinVar:

ClinVar aggregate classification (germline): Uncertain significance (1 of 4 stars; one submission).

Conditions:
Early-infantile DEE. Also called: Ohtahara syndrome; Early infantile epileptic encephalopathy with suppression bursts; Early infantile epileptic encephalopathy. Identifiers: Orphanet 1934, MedGen C0393706, MONDO:0800491.

Allele frequency attached by ClinVar (database versions not stated): gnomAD 0.00001; gnomAD exomes 0.00001; ExAC 0.00002; TOPMed 0.00002.
gnomAD v4.1: 11 of 1,613,352 alleles (0.00068%); highest among the groups gnomAD compares: African/African-American, 0.004%; no homozygotes.

Submission:

Labcorp Genetics (formerly Invitae), Labcorp
Classification: Uncertain significance for Early-infantile DEE. Last evaluated: 2022-06-13. Review status: criteria provided, single submitter. Criteria: Invitae Variant Classification Sherloc (09022015). Collection method: clinical testing. Allele origin: germline.
Comment: In summary, the available evidence is currently insufficient to determine the role of this variant in disease. Therefore, it has been classified as a Variant of Uncertain Significance. Algorithms developed to predict the effect of sequence changes on RNA splicing suggest that this variant is not likely to affect RNA splicing. ClinVar contains an entry for this variant (Variation ID: 530536). This variant has not been reported in the literature in individuals affected with ARHGEF15-related conditions. This variant is present in population databases (rs766931220, gnomAD 0.008%). This sequence change affects codon 729 of the ARHGEF15 mRNA. It is a 'silent' change, meaning that it does not change the encoded amino acid sequence of the ARHGEF15 protein. It affects a nucleotide within the consensus splice site.

NM_173728.4(ARHGEF15):c.2185C>T (p.Leu729=)

Gene: ARHGEF15 (Rho guanine nucleotide exchange factor 15; plus strand). Cytogenetic location: 17p13.1.
Variant type: single nucleotide variant.
Coding change: c.2185C>T on transcript NM_173728.4 (MANE Select); coding-DNA position 2185, C replaced by T.
Protein change: p.Leu729=; no amino-acid change (leucine 729 retained).
Molecular consequence: synonymous variant.
Genome position (GRCh38, 1-based): chr17:8,319,158, C>T. VCF-style: chr17-8319158-C-T. GRCh37 (hg19) VCF-style: chr17-8222476-C-T.
Other names: c.2185C>T, p.Leu729= (NM_025014.2).
Identifiers: ClinVar variation 530536 (VCV000530536.7), dbSNP rs766931220, ClinGen allele CA8375434.
Genomic context (GRCh38, chr17:8,319,158, plus strand): 5'-CTCTCCCTTCTCAGCAACCACCAGGGCCGCCCCACCCACCGACTACTCCAAGCTTCTTCC[C>T]TGTGAGTTGTGTTTCCCTCAGAAAACAACCTTGGGACACTTATCTGACCTCTCAGACCTC-3'
Protein context (NP_776089.2, residues 719-739): PTHRLLQASS[Leu729=]SDMQRWLGAF